The following is an entry in ClinVar:

NM_015346.4(ZFYVE26):c.5374C>T (p.Gln1792Ter)

Gene: ZFYVE26 (zinc finger FYVE-type containing 26; minus strand). Cytogenetic location: 14q24.1.
Variant type: single nucleotide variant.
Coding change: c.5374C>T on transcript NM_015346.4 (MANE Select); coding-DNA position 5374, C replaced by T.
Protein change: p.Gln1792Ter; replaces glutamine 1792 with a stop codon.
Molecular consequence: nonsense.
Genome position (GRCh38, 1-based): chr14:67,772,157, G>A on the plus strand (C>T on the coding strand, the complement: ZFYVE26 is on the minus strand). VCF-style: chr14-67772157-G-A. GRCh37 (hg19) VCF-style: chr14-68238874-G-A.
Other names: short protein forms Q1792*.
Identifiers: ClinVar variation 2995554 (VCV002995554.3), dbSNP rs2502772871, ClinGen allele CA390167464.

ClinVar aggregate classification (germline): Pathogenic (1 of 4 stars; one submission).

Conditions:
Spastic paraplegia. Identifiers: MedGen C0037772, HP:0001258.

Submission:

Labcorp Genetics (formerly Invitae), Labcorp
Classification: Pathogenic for Spastic paraplegia. Last evaluated: 2023-04-26. Review status: criteria provided, single submitter. Criteria: Invitae Variant Classification Sherloc (09022015). Collection method: clinical testing. Allele origin: germline.
Comment: This variant is not present in population databases (gnomAD no frequency). This variant has not been reported in the literature in individuals affected with ZFYVE26-related conditions. Algorithms developed to predict the effect of sequence changes on RNA splicing suggest that this variant may disrupt the consensus splice site. For these reasons, this variant has been classified as Pathogenic. This sequence change creates a premature translational stop signal (p.Gln1792*) in the ZFYVE26 gene. It is expected to result in an absent or disrupted protein product. Loss-of-function variants in ZFYVE26 are known to be pathogenic (PMID: 18394578, 19805727).

Literature cited by the submitters: PubMed 18394578; PubMed 19805727.